The following is an entry in ClinVar:

ClinVar aggregate classification (germline): Benign. Review status: criteria provided, multiple submitters, no conflicts (2 of 4 stars). 8 submissions from 7 submitters: Benign (8). Last evaluated 2026-02-04.

Conditions:
Tangier disease (TGD). Also called: HIGH DENSITY LIPOPROTEIN DEFICIENCY, TANGIER TYPE; HIGH DENSITY LIPOPROTEIN DEFICIENCY, TYPE 1; Cholesterol thesaurismosis. Identifiers: Orphanet 31150, MedGen C0039292, MONDO:0008783, OMIM 205400.
Cardiovascular phenotype. Identifiers: MedGen CN230736.
Hypoalphalipoproteinemia, primary, 1. Identifiers: Orphanet 425, MedGen C5231558, MONDO:0011393, OMIM 604091.

Allele frequency attached by ClinVar (database versions not stated): ESP Exome Variant Server 0.05497; TOPMed 0.06622; 1000 Genomes Project 0.07408; 1000 Genomes Project 30x 0.07480.
gnomAD v4.1: 63,556 of 1,613,990 alleles (3.9%); highest among the groups gnomAD compares: Admixed American, 13%; 1,908 homozygotes.

Submissions (8):

Labcorp Genetics (formerly Invitae), Labcorp
Classification: Benign. Last evaluated: 2026-02-04. Review status: criteria provided, single submitter. Criteria: Invitae Variant Classification Sherloc (09022015). Collection method: clinical testing. Allele origin: germline.

Blueprint Genetics
Classification: Benign. Last evaluated: 2024-11-27. Review status: criteria provided, single submitter. Criteria: ACMG Guidelines, 2015. Collection method: clinical testing. Allele origin: germline.

Ambry Genetics
Classification: Benign for Cardiovascular phenotype. Last evaluated: 2019-03-21. Review status: criteria provided, single submitter. Criteria: Ambry Variant Classification Scheme 2023. Collection method: clinical testing. Allele origin: germline.

GeneDx
Classification: Benign. Last evaluated: 2018-08-30. Review status: criteria provided, single submitter. Criteria: GeneDx Variant Classification Process June 2021. Collection method: clinical testing. Allele origin: germline. Affected: yes.
Comment: This variant is associated with the following publications: (PMID: 15520867, 24503134)

Mayo Clinic Laboratories, Mayo Clinic
Classification: Benign. Last evaluated: 2017-07-25. Review status: criteria provided, single submitter. Criteria: ACMG Guidelines, 2015. Collection method: clinical testing. Allele origin: germline. Observed: 105 variant alleles.

Illumina Laboratory Services, Illumina
Classification: Benign for Tangier disease. Last evaluated: 2017-04-27. Review status: criteria provided, single submitter. Criteria: ICSL Variant Classification Criteria 13 December 2019. Collection method: clinical testing. Allele origin: germline.
Comment: This variant was observed as part of a predisposition screen in an ostensibly healthy population. A literature search was performed for the gene, cDNA change, and amino acid change (where applicable). No publications were found based on this search. Allele frequency data from public databases was too high to be consistent with this variant causing disease. Therefore, this variant is classified as benign.

Illumina Laboratory Services, Illumina
Classification: Benign for Hypoalphalipoproteinemia, primary, 1. Last evaluated: 2017-04-27. Review status: criteria provided, single submitter. Criteria: ICSL Variant Classification Criteria 13 December 2019. Collection method: clinical testing. Allele origin: germline.
Comment: This variant was observed as part of a predisposition screen in an ostensibly healthy population. A literature search was performed for the gene, cDNA change, and amino acid change (where applicable). Publications were found based on this search. The evidence from the literature, in combination with allele frequency data from public databases where available, was sufficient to rule this variant out of causing disease. Therefore, this variant is classified as benign.

Breakthrough Genomics
Classification: Benign. Review status: criteria provided, single submitter. Criteria: ACMG Guidelines, 2015. Collection method: not provided. Allele origin: germline. Inheritance: Autosomal recessive inheritance. Affected: yes.

Literature cited by the submitters: PubMed 16429166 (cited by Illumina Laboratory Services, Illumina); PubMed 17383594 (cited by Illumina Laboratory Services, Illumina); PubMed 15520867 (cited by Illumina Laboratory Services, Illumina).

NM_005502.4(ABCA1):c.2311G>A (p.Val771Met)

Gene: ABCA1 (ATP binding cassette subfamily A member 1; minus strand). Cytogenetic location: 9q31.1.
Variant type: single nucleotide variant.
Coding change: c.2311G>A on transcript NM_005502.4 (MANE Select); coding-DNA position 2311, G replaced by A.
Protein change: p.Val771Met; replaces valine 771 with methionine.
Molecular consequence: missense variant.
Genome position (GRCh38, 1-based): chr9:104,826,974, C>T on the plus strand (G>A on the coding strand, the complement: ABCA1 is on the minus strand). VCF-style: chr9-104826974-C-T. GRCh37 (hg19) VCF-style: chr9-107589255-C-T.
Other names: short protein forms V771M.
Identifiers: ClinVar variation 364433 (VCV000364433.19), dbSNP rs2066718, ClinGen allele CA5168767.